The following is an entry in ClinVar:

ClinVar aggregate classification (germline): Uncertain significance (1 of 4 stars; one submission).

Allele frequency attached by ClinVar (database versions not stated): gnomAD exomes below 0.00001 and 0.00001; TOPMed below 0.00001; ExAC 0.00001.
gnomAD v4.1: 2 of 1,613,986 alleles (0.00012%); highest among the groups gnomAD compares: East Asian, 0.0022%; no homozygotes.

Submission:

GeneDx
Classification: Uncertain significance. Last evaluated: 2019-05-13. Review status: criteria provided, single submitter. Criteria: GeneDx Variant Classification Process June 2021. Collection method: clinical testing. Allele origin: germline. Affected: yes.
Comment: In silico analysis, which includes protein predictors and evolutionary conservation, supports a deleterious effect; Has not been previously published as pathogenic or benign to our knowledge

NM_181458.4(PAX3):c.854C>T (p.Ala285Val)

Gene: PAX3 (paired box 3; minus strand). Cytogenetic location: 2q36.1.
Variant type: single nucleotide variant.
Coding change: c.854C>T on transcript NM_181458.4 (MANE Select); coding-DNA position 854, C replaced by T.
Protein change: p.Ala285Val; replaces alanine 285 with valine.
Molecular consequence: missense variant.
Genome position (GRCh38, 1-based): chr2:222,221,326, G>A on the plus strand (C>T on the coding strand, the complement: PAX3 is on the minus strand). VCF-style: chr2-222221326-G-A. GRCh37 (hg19) VCF-style: chr2-223086045-G-A.
Other names: c.851C>T, p.Ala284Val (NM_001127366.3); c.854C>T, p.Ala285Val (NM_181457.4, NM_181459.4, NM_181460.4 and 1 more transcripts); short protein forms A284V, A285V.
Identifiers: ClinVar variation 1305436 (VCV001305436.2), dbSNP rs762975677, ClinGen allele CA2135562.